The following is an entry in ClinVar:

ClinVar aggregate classification (germline): Uncertain significance (1 of 4 stars; one submission).

Conditions:
Bloom syndrome (BLM). Also called: Bloom-Torre-Machacek syndrome. Identifiers: Orphanet 125, MedGen C0005859, MONDO:0008876, OMIM 210900.

Submission:

Labcorp Genetics (formerly Invitae), Labcorp
Classification: Uncertain significance for Bloom syndrome. Last evaluated: 2024-05-02. Review status: criteria provided, single submitter. Criteria: Invitae Variant Classification Sherloc (09022015). Collection method: clinical testing. Allele origin: germline.
Comment: This sequence change replaces threonine, which is neutral and polar, with asparagine, which is neutral and polar, at codon 1179 of the BLM protein (p.Thr1179Asn). This variant is not present in population databases (gnomAD no frequency). This variant has not been reported in the literature in individuals affected with BLM-related conditions. Advanced modeling of protein sequence and biophysical properties (such as structural, functional, and spatial information, amino acid conservation, physicochemical variation, residue mobility, and thermodynamic stability) performed at Invitae indicates that this missense variant is not expected to disrupt BLM protein function with a negative predictive value of 80%. In summary, the available evidence is currently insufficient to determine the role of this variant in disease. Therefore, it has been classified as a Variant of Uncertain Significance.

NM_000057.4(BLM):c.3536C>A (p.Thr1179Asn)

Gene: BLM (BLM RecQ like helicase; plus strand). Cytogenetic location: 15q26.1.
Variant type: single nucleotide variant.
Coding change: c.3536C>A on transcript NM_000057.4 (MANE Select); coding-DNA position 3536, C replaced by A.
Protein change: p.Thr1179Asn; replaces threonine 1179 with asparagine.
Molecular consequence: missense variant. On other transcripts: intron variant (1).
Genome position (GRCh38, 1-based): chr15:90,803,698, C>A. VCF-style: chr15-90803698-C-A. GRCh37 (hg19) VCF-style: chr15-91346928-C-A.
Other names: c.3536C>A, p.Thr1179Asn (NM_001287246.2); c.2411C>A, p.Thr804Asn (NM_001287248.2); c.3358+5361C>A (NM_001287247.2); short protein forms T804N, T1179N.
Identifiers: ClinVar variation 3691310 (VCV003691310.2).